The following is an entry in ClinVar:

ClinVar aggregate classification (germline): Uncertain significance (1 of 4 stars; one submission).

Allele frequency attached by ClinVar (database versions not stated): gnomAD exomes below 0.00001; TOPMed 0.00002.
gnomAD v4.1: 2 of 1,560,832 alleles (0.00013%); highest among the groups gnomAD compares: African/African-American, 0.0027%; no homozygotes.

Submission:

Labcorp Genetics (formerly Invitae), Labcorp
Classification: Uncertain significance. Last evaluated: 2023-06-09. Review status: criteria provided, single submitter. Criteria: Invitae Variant Classification Sherloc (09022015). Collection method: clinical testing. Allele origin: germline.
Comment: This variant has not been reported in the literature in individuals affected with SLC19A1-related conditions. Algorithms developed to predict the effect of missense changes on protein structure and function output the following: SIFT: "Not Available"; PolyPhen-2: "Benign"; Align-GVGD: "Not Available". The valine amino acid residue is found in multiple mammalian species, which suggests that this missense change does not adversely affect protein function. In summary, the available evidence is currently insufficient to determine the role of this variant in disease. Therefore, it has been classified as a Variant of Uncertain Significance. This sequence change replaces alanine, which is neutral and non-polar, with valine, which is neutral and non-polar, at codon 368 of the SLC19A1 protein (p.Ala368Val). This variant is not present in population databases (gnomAD no frequency).

NM_194255.4(SLC19A1):c.1103C>T (p.Ala368Val)

Gene: SLC19A1 (solute carrier family 19 member 1; minus strand). Cytogenetic location: 21q22.3.
Variant type: single nucleotide variant.
Coding change: c.1103C>T on transcript NM_194255.4 (MANE Select); coding-DNA position 1103, C replaced by T.
Protein change: p.Ala368Val; replaces alanine 368 with valine.
Molecular consequence: missense variant.
Genome position (GRCh38, 1-based): chr21:45,530,818, G>A on the plus strand (C>T on the coding strand, the complement: SLC19A1 is on the minus strand). VCF-style: chr21-45530818-G-A. GRCh37 (hg19) VCF-style: chr21-46950732-G-A.
Other names: c.1103C>T, p.Ala368Val (NM_001205206.4, NM_001352511.3, NM_001352512.2); c.983C>T, p.Ala328Val (NM_001205207.3); c.749C>T, p.Ala250Val (NM_001352510.2); short protein forms A250V, A328V, A368V.
Identifiers: ClinVar variation 2988504 (VCV002988504.3), dbSNP rs2077851310, ClinGen allele CA410506578.